The following is an entry in ClinVar:

NM_018684.4(ZC4H2):c.450dup (p.Ile151fs)

Gene: ZC4H2 (zinc finger C4H2-type containing; minus strand). Cytogenetic location: Xq11.2.
Variant type: Duplication.
Coding change: c.450dup on transcript NM_018684.4 (MANE Select); coding-DNA position 450, one base duplicated (C; older notation c.450dupC).
Protein change: p.Ile151fs; shifts the reading frame from isoleucine 151.
Molecular consequence: frameshift variant. On other transcripts: non-coding transcript variant (1), intron variant (1).
Genome position (GRCh38, 1-based): chrX:64,919,153, G duplicated on the plus strand (C on the coding strand, the reverse complement: ZC4H2 is on the minus strand); the first of 6 consecutive G bases (chrX:64,919,153-64,919,158); duplicating any one gives the same sequence. VCF-style (leftmost placement, unchanged base first): chrX-64919152-T-TG. GRCh37 (hg19) VCF-style: chrX-64139032-T-TG.
Other names: c.450dupC (NM_018684.3); c.381dup, p.Ile128fs (NM_001178032.3, NM_001243804.2); c.398+928dup (NM_001178033.3); short protein forms I128fs, I151fs.
Identifiers: ClinVar variation 520928 (VCV000520928.5), dbSNP rs1555933851, ClinGen allele CA516907042.

ClinVar aggregate classification (germline): Pathogenic (1 of 4 stars; one submission).

Conditions:
Inborn genetic diseases. Identifiers: MedGen C0950123, MeSH D030342.

Submission:

Ambry Genetics
Classification: Pathogenic for Inborn genetic diseases. Last evaluated: 2025-08-21. Review status: criteria provided, single submitter. Criteria: Ambry Variant Classification Scheme 2023. Collection method: clinical testing. Allele origin: germline.
Comment: The c.450dupC (p.I151Hfs*3) alteration, located in exon 4 of the ZC4H2 gene, consists of a duplication of C at position 450, causing a translational frameshift with a predicted alternate stop codon after 3 amino acids. This alteration is expected to result in loss of function by premature protein truncation or nonsense-mediated mRNA decay. This variant was not reported in population-based cohorts in the Genome Aggregation Database (gnomAD). This variant was determined to be de novo in at least one individual with features consistent with ZC4H2related disorder (Frints, 2019; Ambry internal data). Based on the available evidence, this alteration is classified as pathogenic.

Literature cited by the submitters: PubMed 31206972.